The following is an entry in ClinVar:

ClinVar aggregate classification (germline): Likely benign. Review status: criteria provided, single submitter (1 of 4 stars). 3 submissions from 3 submitters: Likely benign (1). 2 of the submissions do not count toward it. Last evaluated 2023-03-23.

Conditions:
Hereditary cancer-predisposing syndrome. Also called: Tumor predisposition; Neoplastic Syndromes, Hereditary; Hereditary Cancer Syndrome; Hereditary neoplastic syndrome. Identifiers: Orphanet 140162, MedGen C0027672, MeSH D009386, MONDO:0015356.
Breast-ovarian cancer, familial, susceptibility to, 1 (BROVCA1). Also called: OVARIAN CANCER, SUSCEPTIBILITY TO; BRCA1 Hereditary Breast and Ovarian Cancer. Identifiers: Orphanet 145, MedGen C2676676, MONDO:0011450, OMIM 604370. Disease mechanism: loss of function.

Allele frequency attached by ClinVar (database versions not stated): ExAC 0.00001.
gnomAD v4.1: 1 of 1,614,244 alleles (0.000062%); highest among the groups gnomAD compares: Non-Finnish European, 0.000085%; no homozygotes.

Submissions (3):

University of Washington Department of Laboratory Medicine, University of Washington
Classification: Likely benign for Hereditary cancer-predisposing syndrome. Last evaluated: 2023-03-23. Review status: criteria provided, single submitter. Criteria: Dines et al. (Genet Med. 2020). Collection method: curation. Allele origin: germline.
Comment: Missense variant in a coldspot region where missense variants are very unlikely to be pathogenic (PMID:31911673).

BRCA1 coldspot (exon 11 using historical exon numbering). Reclassification based on statistical prior probability

Department of Medical and Surgical Sciences, University of Bologna
Classification: Likely benign for Breast-ovarian cancer, familial, susceptibility to, 1. Last evaluated: 2023-09-01. Review status: no assertion criteria provided. Collection method: clinical testing. Allele origin: germline. Affected: yes. Not counted in ClinVar's aggregate classification.
Comment: PM2(Supporting)+BP1(Strong) according to ACMG/AMP classification guidelines specified for BRCA1 & BRCA2 (Classification Criteria V1.0.0 2023-09-08) (PMID: 38160042)

Biesecker Lab/Clinical Genomics Section, National Institutes of Health
Classification: Uncertain significance. Last evaluated: 2012-07-13. Review status: no assertion criteria provided. Collection method: research. Allele origin: germline. Affected: no. Observed: 1 variant allele. Study: ClinSeq. Not counted in ClinVar's aggregate classification.
ClinVar note: Converted during submission from variant of unknown significance to Uncertain significance.

NM_007294.4(BRCA1):c.3783A>T (p.Leu1261Phe)

Genes: BRCA1 (BRCA1 DNA repair associated; minus strand), LOC126862571 (BRD4-independent group 4 enhancer GRCh37_chr17:41243136-41244335; plus strand). Cytogenetic location: 17q21.31.
Variant type: single nucleotide variant.
Coding change: c.3783A>T on transcript NM_007294.4 (MANE Select); coding-DNA position 3783, A replaced by T.
Protein change: p.Leu1261Phe; replaces leucine 1261 with phenylalanine.
Molecular consequence: missense variant. On other transcripts: intron variant (135).
Genome position (GRCh38, 1-based): chr17:43,091,748, T>A on the plus strand (A>T on the coding strand, the complement: BRCA1 is on the minus strand). VCF-style: chr17-43091748-T-A. GRCh37 (hg19) VCF-style: chr17-41243765-T-A.
Other names: c.644-716A>T (NM_001408464.1, NM_001408468.1, NM_001408465.1 and 3 more transcripts); c.524-716A>T (NM_001408498.1, NM_001408501.1, NM_001408500.1 and 3 more transcripts); c.647-716A>T (NM_001408467.1, NM_001408459.1, NM_001408455.1 and 11 more transcripts); c.584-716A>T (NM_001408475.1); c.710-716A>T (NM_001408412.1, NM_001408409.1, NM_001408414.1 and 2 more transcripts); c.452-716A>T (NM_001408509.1, NM_001408508.1); c.575-716A>T (NM_001408491.1, NM_001408493.1, NM_001408490.1); c.461-716A>T (NM_001408506.1, NM_001408507.1); and 41 more; short protein forms L1261F, L1214F, L1219F, L1220F, L1235F, L1258F, L1172F, L1173F.
Identifiers: ClinVar variation 41819 (VCV000041819.6), dbSNP rs80356831, ClinGen allele CA002439.